The following is an entry in ClinVar:

NM_000135.4(FANCA):c.7G>C (p.Asp3His)

Genes: FANCA (FA complementation group A; minus strand), LOC112486223 (Sharpr-MPRA regulatory region 3988; plus strand). Cytogenetic location: 16q24.3.
Variant type: single nucleotide variant.
Coding change: c.7G>C on transcript NM_000135.4 (MANE Select); coding-DNA position 7, G replaced by C.
Protein change: p.Asp3His; replaces aspartic acid 3 with histidine.
Molecular consequence: missense variant.
Genome position (GRCh38, 1-based): chr16:89,816,609, C>G on the plus strand (G>C on the coding strand, the complement: FANCA is on the minus strand). VCF-style: chr16-89816609-C-G. GRCh37 (hg19) VCF-style: chr16-89883017-C-G.
Other names: c.7G>C, p.Asp3His (NM_001018112.3, NM_001286167.3, NM_001351830.2); short protein forms D3H.
Identifiers: ClinVar variation 1044734 (VCV001044734.12), dbSNP rs1246636933, ClinGen allele CA397484652.

ClinVar aggregate classification (germline): Uncertain significance. Review status: criteria provided, single submitter (1 of 4 stars). 2 submissions from 2 submitters: Uncertain significance (1). 1 of the submissions does not count toward it. Last evaluated 2023-08-10.

Conditions:
Fanconi anemia (FA). Also called: Fanconi's anemia. Identifiers: Orphanet 84, MedGen C0015625, MeSH D005199, MONDO:0019391.

Allele frequency attached by ClinVar (database versions not stated): gnomAD 0.00001; TOPMed 0.00001.
gnomAD v4.1: 1 of 1,525,048 alleles (0.000066%); highest among the groups gnomAD compares: African/African-American, 0.0014%; no homozygotes.

Submissions (2):

Labcorp Genetics (formerly Invitae), Labcorp
Classification: Uncertain significance for Fanconi anemia. Last evaluated: 2023-08-10. Review status: criteria provided, single submitter. Criteria: Invitae Variant Classification Sherloc (09022015). Collection method: clinical testing. Allele origin: germline.
Comment: Advanced modeling of protein sequence and biophysical properties (such as structural, functional, and spatial information, amino acid conservation, physicochemical variation, residue mobility, and thermodynamic stability) performed at Invitae indicates that this missense variant is not expected to disrupt FANCA protein function. In summary, the available evidence is currently insufficient to determine the role of this variant in disease. Therefore, it has been classified as a Variant of Uncertain Significance. ClinVar contains an entry for this variant (Variation ID: 1044734). This sequence change replaces aspartic acid, which is acidic and polar, with histidine, which is basic and polar, at codon 3 of the FANCA protein (p.Asp3His). This variant is not present in population databases (gnomAD no frequency). This variant has not been reported in the literature in individuals affected with FANCA-related conditions.

Natera, Inc.
Classification: Uncertain significance for Fanconi anemia. Last evaluated: 2020-05-10. Review status: no assertion criteria provided. Collection method: clinical testing. Allele origin: germline. Not counted in ClinVar's aggregate classification.